The following is an entry in ClinVar:

ClinVar aggregate classification (germline): Uncertain significance (1 of 4 stars; one submission).

Conditions:
Propionic acidemia (PROP). Also called: GLYCINEMIA, KETOTIC; HYPERGLYCINEMIA WITH KETOACIDOSIS AND LEUKOPENIA; KETOTIC HYPERGLYCINEMIA. Identifiers: Orphanet 35, MedGen C0268579, MONDO:0011628, OMIM 606054, HP:0003571.

Allele frequency attached by ClinVar (database versions not stated): gnomAD 0.00001.
gnomAD v4.1: 4 of 1,592,426 alleles (0.00025%); highest among the groups gnomAD compares: African/African-American, 0.0013%; no homozygotes.

Submission:

Labcorp Genetics (formerly Invitae), Labcorp
Classification: Uncertain significance for Propionic acidemia. Last evaluated: 2022-07-25. Review status: criteria provided, single submitter. Criteria: Invitae Variant Classification Sherloc (09022015). Collection method: clinical testing. Allele origin: germline.
Comment: This sequence change replaces tyrosine, which is neutral and polar, with cysteine, which is neutral and slightly polar, at codon 406 of the PCCA protein (p.Tyr406Cys). This variant is present in population databases (no rsID available, gnomAD 0.01%). This variant has not been reported in the literature in individuals affected with PCCA-related conditions. ClinVar contains an entry for this variant (Variation ID: 1486707). Algorithms developed to predict the effect of missense changes on protein structure and function are either unavailable or do not agree on the potential impact of this missense change (SIFT: "Deleterious"; PolyPhen-2: "Probably Damaging"; Align-GVGD: "Class C0"). In summary, the available evidence is currently insufficient to determine the role of this variant in disease. Therefore, it has been classified as a Variant of Uncertain Significance.

NM_000282.4(PCCA):c.1217A>G (p.Tyr406Cys)

Gene: PCCA (propionyl-CoA carboxylase subunit alpha; plus strand). Cytogenetic location: 13q32.3.
Variant type: single nucleotide variant.
Coding change: c.1217A>G on transcript NM_000282.4 (MANE Select); coding-DNA position 1217, A replaced by G.
Protein change: p.Tyr406Cys; replaces tyrosine 406 with cysteine.
Molecular consequence: missense variant. On other transcripts: non-coding transcript variant (5).
Genome position (GRCh38, 1-based): chr13:100,302,931, A>G. VCF-style: chr13-100302931-A-G. GRCh37 (hg19) VCF-style: chr13-100955185-A-G.
Other names: c.1139A>G, p.Tyr380Cys (NM_001127692.3, NM_001352607.2); c.1217A>G, p.Tyr406Cys (NM_001178004.2, NM_001352605.2, NM_001352609.2); c.1073A>G, p.Tyr358Cys (NM_001352606.2); c.995A>G, p.Tyr332Cys (NM_001352608.2); c.272A>G, p.Tyr91Cys (NM_001352610.2, NM_001352611.2); c.128A>G, p.Tyr43Cys (NM_001352612.2); short protein forms Y332C, Y380C, Y43C, Y406C, Y358C, Y91C.
Identifiers: ClinVar variation 1486707 (VCV001486707.3), dbSNP rs981962098, ClinGen allele CA255987507.
Genomic context (GRCh38, chr13:100,302,931, plus strand): 5'-CTTGTGCTGATTTATATTTCAAAGACTGTGCTTCCTTTCCTTTGAACTTTCAGGACCCCT[A>G]CAAGTCTTTTGGTTTACCATCTATTGGGAGATTGTCTCAGTACCAAGAACCGTTACATCT-3'
Protein context (NP_000273.2, residues 396-416): VECRVYAEDP[Tyr406Cys]KSFGLPSIGR